The following is an entry in ClinVar:

NM_004336.5(BUB1):c.892A>G (p.Lys298Glu)

Gene: BUB1 (BUB1 mitotic checkpoint serine/threonine kinase; minus strand). Cytogenetic location: 2q13.
Variant type: single nucleotide variant.
Coding change: c.892A>G on transcript NM_004336.5 (MANE Select); coding-DNA position 892, A replaced by G.
Protein change: p.Lys298Glu; replaces lysine 298 with glutamic acid.
Molecular consequence: missense variant.
Genome position (GRCh38, 1-based): chr2:110,666,328, T>C on the plus strand (A>G on the coding strand, the complement: BUB1 is on the minus strand). VCF-style: chr2-110666328-T-C. GRCh37 (hg19) VCF-style: chr2-111423905-T-C.
Other names: c.832A>G, p.Lys278Glu (NM_001278616.2); c.892A>G, p.Lys298Glu (NM_001278617.2); short protein forms K298E, K278E.
Identifiers: ClinVar variation 1765142 (VCV001765142.4), dbSNP rs2468025908, ClinGen allele CA348216519.

ClinVar aggregate classification (germline): Uncertain significance. Review status: criteria provided, multiple submitters, no conflicts (2 of 4 stars). 2 submissions from 2 submitters: Uncertain significance (2). Last evaluated 2025-10-27.

Submissions (2):

Labcorp Genetics (formerly Invitae), Labcorp
Classification: Uncertain significance. Last evaluated: 2025-10-27. Review status: criteria provided, single submitter. Criteria: Invitae Variant Classification Sherloc (09022015). Collection method: clinical testing. Allele origin: germline.
Comment: This sequence change replaces lysine, which is basic and polar, with glutamic acid, which is acidic and polar, at codon 298 of the BUB1 protein (p.Lys298Glu). This variant is not present in population databases (gnomAD no frequency). This variant has not been reported in the literature in individuals affected with BUB1-related conditions. ClinVar contains an entry for this variant (Variation ID: 1765142). Experimental studies and prediction algorithms are not available or were not evaluated, and the functional significance of this variant is currently unknown. In summary, the available evidence is currently insufficient to determine the role of this variant in disease. Therefore, it has been classified as a Variant of Uncertain Significance.

Ambry Genetics
Classification: Uncertain significance. Last evaluated: 2022-07-02. Review status: criteria provided, single submitter. Criteria: Ambry Variant Classification Scheme 2023. Collection method: clinical testing. Allele origin: germline.
Comment: The p.K298E variant (also known as c.892A>G), located in coding exon 9 of the BUB1 gene, results from an A to G substitution at nucleotide position 892. The lysine at codon 298 is replaced by glutamic acid, an amino acid with similar properties. This amino acid position is conserved. In addition, this alteration is predicted to be tolerated by in silico analysis. Since supporting evidence is limited at this time, the clinical significance of this alteration remains unclear.